The following is an entry in ClinVar:

ClinVar aggregate classification (germline): Pathogenic (1 of 4 stars; one submission).

Submission:

Labcorp Genetics (formerly Invitae), Labcorp
Classification: Pathogenic. Last evaluated: 2023-04-30. Review status: criteria provided, single submitter. Criteria: Invitae Variant Classification Sherloc (09022015). Collection method: clinical testing. Allele origin: germline.
Comment: For these reasons, this variant has been classified as Pathogenic. Algorithms developed to predict the effect of sequence changes on RNA splicing suggest that this variant may disrupt the consensus splice site. This variant has not been reported in the literature in individuals affected with ALDH3A2-related conditions. This variant is not present in population databases (gnomAD no frequency). This sequence change creates a premature translational stop signal (p.His368Glnfs*8) in the ALDH3A2 gene. It is expected to result in an absent or disrupted protein product. Loss-of-function variants in ALDH3A2 are known to be pathogenic (PMID: 10577908, 10854114).

Literature cited by the submitters: PubMed 10577908; PubMed 10854114.

NM_000382.3(ALDH3A2):c.1103_1104insGG (p.His368fs)

Gene: ALDH3A2 (aldehyde dehydrogenase 3 family member A2; plus strand). Cytogenetic location: 17p11.2.
Variant type: Insertion.
Coding change: c.1103_1104insGG on transcript NM_000382.3 (MANE Select); coding-DNA positions 1103 to 1104, GG inserted.
Protein change: p.His368fs; shifts the reading frame from histidine 368.
Molecular consequence: frameshift variant.
Genome position: GRCh38 VCF-style: chr17-19663495-A-AGG. GRCh37 (hg19) VCF-style: chr17-19566808-A-AGG.
Other names: c.1103_1104insGG, p.His368fs (NM_001031806.2, NM_001369136.1, NM_001369137.2 and 3 more transcripts); c.524_525insGG, p.His175fs (NM_001369148.2); short protein forms H175fs, H368fs.
Identifiers: ClinVar variation 2860913 (VCV002860913.3), dbSNP rs2544390077, ClinGen allele CA2739267254.